The following is an entry in ClinVar:

ClinVar aggregate classification (germline): Uncertain significance (1 of 4 stars; one submission).

Conditions:
Charcot-Marie-Tooth disease type 4. Also called: Charcot-Marie-Tooth, Type 4; Charcot-Marie-Tooth disease, type IV. Identifiers: Orphanet 64749, MedGen C4082197, MONDO:0018995.

Submission:

Labcorp Genetics (formerly Invitae), Labcorp
Classification: Uncertain significance for Charcot-Marie-Tooth disease type 4. Last evaluated: 2020-03-05. Review status: criteria provided, single submitter. Criteria: Invitae Variant Classification Sherloc (09022015). Collection method: clinical testing. Allele origin: germline.
Comment: In summary, the available evidence is currently insufficient to determine the role of this variant in disease. Therefore, it has been classified as a Variant of Uncertain Significance. Algorithms developed to predict the effect of missense changes on protein structure and function (SIFT, PolyPhen-2, Align-GVGD) all suggest that this variant is likely to be tolerated, but these predictions have not been confirmed by published functional studies and their clinical significance is uncertain. This variant has not been reported in the literature in individuals with MTMR2-related conditions. This variant is not present in population databases (ExAC no frequency). This sequence change replaces leucine with phenylalanine at codon 380 of the MTMR2 protein (p.Leu380Phe). The leucine residue is moderately conserved and there is a small physicochemical difference between leucine and phenylalanine.

NM_016156.6(MTMR2):c.1140G>C (p.Leu380Phe)

Gene: MTMR2 (myotubularin related protein 2; minus strand). Cytogenetic location: 11q21.
Variant type: single nucleotide variant.
Coding change: c.1140G>C on transcript NM_016156.6 (MANE Select); coding-DNA position 1140, G replaced by C.
Protein change: p.Leu380Phe; replaces leucine 380 with phenylalanine.
Molecular consequence: missense variant.
Genome position (GRCh38, 1-based): chr11:95,847,753, C>G on the plus strand (G>C on the coding strand, the complement: MTMR2 is on the minus strand). VCF-style: chr11-95847753-C-G. GRCh37 (hg19) VCF-style: chr11-95580917-C-G.
Other names: c.924G>C, p.Leu308Phe (NM_001243571.2, NM_201278.3, NM_201281.3); short protein forms L308F, L380F.
Identifiers: ClinVar variation 1058116 (VCV001058116.9), dbSNP rs2135433928, ClinGen allele CA382423149.